The following is an entry in ClinVar:

ClinVar aggregate classification (germline): Uncertain significance (1 of 4 stars; one submission).

gnomAD v4.1: 1 of 1,273,634 alleles (0.000079%); highest among the groups gnomAD compares: Non-Finnish European, 0.000099%; no homozygotes.

Submission:

Labcorp Genetics (formerly Invitae), Labcorp
Classification: Uncertain significance. Last evaluated: 2025-03-13. Review status: criteria provided, single submitter. Criteria: Invitae Variant Classification Sherloc (09022015). Collection method: clinical testing. Allele origin: germline.
Comment: This sequence change replaces proline, which is neutral and non-polar, with arginine, which is basic and polar, at codon 78 of the PDE4D protein (p.Pro78Arg). This variant is not present in population databases (gnomAD no frequency). This variant has not been reported in the literature in individuals affected with PDE4D-related conditions. An algorithm developed to predict the effect of missense changes on protein structure and function (PolyPhen-2) suggests that this variant is likely to be tolerated. In summary, the available evidence is currently insufficient to determine the role of this variant in disease. Therefore, it has been classified as a Variant of Uncertain Significance.

NM_001104631.2(PDE4D):c.233C>G (p.Pro78Arg)

Gene: PDE4D (phosphodiesterase 4D; minus strand). Cytogenetic location: 5q12.1.
Variant type: single nucleotide variant.
Coding change: c.233C>G on transcript NM_001104631.2 (MANE Select); coding-DNA position 233, C replaced by G.
Protein change: p.Pro78Arg; replaces proline 78 with arginine.
Molecular consequence: missense variant. On other transcripts: intron variant (5).
Genome position (GRCh38, 1-based): chr5:59,893,390, G>C on the plus strand (C>G on the coding strand, the complement: PDE4D is on the minus strand). VCF-style: chr5-59893390-G-C. GRCh37 (hg19) VCF-style: chr5-59189217-G-C.
Other names: c.272+95098C>G (NM_001364599.1, NM_001165899.2, NM_001364600.2); c.-240+95098C>G (NM_001349243.2); c.242+95098C>G (NM_001349241.2); short protein forms P78R.
Identifiers: ClinVar variation 4772445 (VCV004772445.1).
Genomic context (GRCh38, chr5:59,893,390, plus strand): 5'-CTCGAGGCGTAGCGGCCGCGGGCAGCCCCGGGCGGCGGCGGGGGCGGCGGCAGGGGGGGC[G>C]GCGGCGGCGGCTGTAGCGGACACTGGGGCTGGGGCTGGGGCGAGGGTGGCGGCGGCGGGG-3'
Protein context (NP_001098101.1, residues 68-88): QPQCPLQPPP[Pro78Arg]PPLPPPPPPP